The following is an entry in ClinVar:

ClinVar aggregate classification (germline): Conflicting classifications of pathogenicity. Review status: criteria provided, conflicting classifications (1 of 4 stars). 10 submissions from 10 submitters: Pathogenic (7); Likely pathogenic (1); Uncertain significance (1). 1 of the submissions does not count toward it. Last evaluated 2026-02-02.

Conditions:
POLG-related disorder. Also called: POLG-related condition; POLG-Related Disorders; POLG-Related Spectrum Disorders. Identifiers: MedGen C4763519.
Inborn genetic diseases. Identifiers: MedGen C0950123, MeSH D030342.
Progressive external ophthalmoplegia with mitochondrial DNA deletions, autosomal dominant 1 (PEOA1). Also called: PROGRESSIVE EXTERNAL OPHTHALMOPLEGIA, AUTOSOMAL DOMINANT 1; Autosomal Dominant Progressive External Ophthalmoplegia (adPEO). Identifiers: MedGen C1834846, MONDO:0024528, OMIM 157640.
Progressive external ophthalmoplegia with mitochondrial DNA deletions, autosomal recessive 1 (PEOB1). Also called: Autosomal Recessive Progressive External Ophthalmoplegia (arPEO); Progressive external ophthalmoplegia, autosomal recessive 1. Identifiers: Orphanet 254886, MedGen C4225153, MONDO:0009783, OMIM 258450.
Progressive sclerosing poliodystrophy (MTDPS4A). Also called: ALPERS DIFFUSE DEGENERATION OF CEREBRAL GRAY MATTER WITH HEPATIC CIRRHOSIS; Alpers-Huttenlocher Syndrome; ALPERS PROGRESSIVE INFANTILE POLIODYSTROPHY; NEURONAL DEGENERATION OF CHILDHOOD WITH LIVER DISEASE, PROGRESSIVE; Mitochondrial DNA Depletion Syndrome 4A; Alpers-Huttenlocher Syndrome (AHS). Identifiers: Orphanet 726, MedGen C0205710, MONDO:0008758, OMIM 203700.
Sensory ataxic neuropathy, dysarthria, and ophthalmoparesis (SANDO). Also called: SENSORY ATAXIC NEUROPATHY WITH MITOCHONDRIAL DNA DELETIONS, AUTOSOMAL RECESSIVE; Epilepsy, progressive myoclonic, type 5; Sensory ataxic neuropathy-dysarthria-ophthalmoparesis syndrome; Ataxia Neuropathy Spectrum (ANS). Identifiers: Orphanet 70595, MedGen C1843851, MONDO:0011835, OMIM 607459.
Mitochondrial DNA depletion syndrome 4b. Also called: MNGIE, POLG-RELATED; Mitochondrial Neurogastrointestinal Encephalopathy Disease, POLG-Related. Identifiers: Orphanet 298, MedGen C3150914, MONDO:0013350, OMIM 613662.

Allele frequency attached by ClinVar (database versions not stated): gnomAD 0.00006; TOPMed 0.00006; ESP Exome Variant Server 0.00008.

Submissions 1 to 7 of 10:

Ambry Genetics
Classification: Pathogenic for Inborn genetic diseases. Last evaluated: 2026-02-02. Review status: criteria provided, single submitter. Criteria: Ambry Variant Classification Scheme 2023. Collection method: clinical testing. Allele origin: germline.
Comment: The c.3287G>A (p.R1096H) alteration is located in exon 21 (coding exon 20) of the POLG gene. This alteration results from a G to A substitution at nucleotide position 3287, causing the arginine (R) at amino acid position 1096 to be replaced by a histidine (H). for autosomal recessive POLG-related mitochondrial disorders; however, its clinical significance for autosomal dominant POLG-related progressive external ophthalmoplegia is uncertain. Based on data from gnomAD, the A allele has an overall frequency of 0.003% (7/282698) total alleles studied. The highest observed frequency was 0.012% (3/24958) of African alleles. This variant has been identified in the homozygous state and/or in conjunction with other POLG variant(s) in individual(s) with features consistent with POLG-related mitochondrial disorders; in at least one instance, the variants were identified in trans (Hou, 2022; Elwan, 2022; Li, 2021; Paul, 2020; Schulte, 2009; Horvath, 2006). This amino acid position is highly conserved in available vertebrate species. In multiple assays testing POLG function, this variant showed functionally abnormal results (Stumpf, 2010; Sohl, 2013). This alteration is predicted to be deleterious by in silico analysis. Based on the available evidence, this alteration is classified as pathogenic.

Labcorp Genetics (formerly Invitae), Labcorp
Classification: Pathogenic for Progressive sclerosing poliodystrophy. Last evaluated: 2026-01-13. Review status: criteria provided, single submitter. Criteria: Invitae Variant Classification Sherloc (09022015). Collection method: clinical testing. Allele origin: germline.
Comment: This sequence change replaces arginine, which is basic and polar, with histidine, which is basic and polar, at codon 1096 of the POLG protein (p.Arg1096His). The frequency data for this variant in the population databases is considered unreliable, as metrics indicate poor data quality at this position in the gnomAD database. This missense change has been observed in individuals with autosomal recessive Alpers syndrome or progressive external ophthalmoplegia (PMID: 16621917, 19752458, 35289132). ClinVar contains an entry for this variant (Variation ID: 206557). Invitae Evidence Modeling of protein sequence and biophysical properties (such as structural, functional, and spatial information, amino acid conservation, physicochemical variation, residue mobility, and thermodynamic stability) indicates that this missense variant is expected to disrupt POLG protein function with a positive predictive value of 95%. Experimental studies have shown that this missense change affects POLG function (PMID: 20185557, 23208208). This variant disrupts the p.Arg1096 amino acid residue in POLG. Other variant(s) that disrupt this residue have been determined to be pathogenic (PMID: 12707443, 21305355, 21880868, 22189570, 23545419, 24265579). This suggests that this residue is clinically significant, and that variants that disrupt this residue are likely to be disease-causing. For these reasons, this variant has been classified as Pathogenic.

Dasa
Classification: Pathogenic. Last evaluated: 2024-07-30. Review status: criteria provided, single submitter. Criteria: DASA Assertion Criteria. Collection method: clinical testing. Allele origin: germline.
Comment: NM_002693.3(POLG):c.3287G>A (p.Arg1096His) is a missense variant that results in the substitution of arginine with histidine. Functional evidence supports a deleterious effect on the gene or gene product (PMID: 16621917; PMID: 19752458; PMID: 33046616; PMID: 34690748). This variant has been recurrently observed in individuals with related phenotype (PMID: 16621917; PMID: 19752458; PMID: 33046616; PMID: 34690748). Segregation evidence has been reported in affected families. Multiple computational predictions support a deleterious effect on the gene or gene product. The variant is present at low frequency in population datasets. Based on the available data, this variant is classified as pathogenic.

Fulgent Genetics
Classification: Pathogenic for Progressive external ophthalmoplegia with mitochondrial DNA deletions, autosomal dominant 1; Progressive sclerosing poliodystrophy; Progressive external ophthalmoplegia with mitochondrial DNA deletions, autosomal recessive 1; Sensory ataxic neuropathy, dysarthria, and ophthalmoparesis; Mitochondrial DNA depletion syndrome 4b. Last evaluated: 2024-04-07. Review status: criteria provided, single submitter. Criteria: ACMG Guidelines, 2015. Collection method: clinical testing. Allele origin: germline.

Baylor Genetics
Classification: Likely pathogenic for Progressive sclerosing poliodystrophy. Last evaluated: 2024-02-02. Review status: criteria provided, single submitter. Criteria: ACMG Guidelines, 2015. Collection method: clinical testing. Allele origin: unknown.

Women's Health and Genetics/Laboratory Corporation of America, LabCorp
Classification: Pathogenic for POLG-related disorder. Last evaluated: 2023-11-17. Review status: criteria provided, single submitter. Criteria: LabCorp Variant Classification Summary - May 2015. Collection method: clinical testing. Allele origin: germline.
Comment: Variant summary: POLG c.3287G>A (p.Arg1096His) results in a non-conservative amino acid change located in the palm domain (IPR001098) of the encoded protein sequence. Five of five in-silico tools predict a damaging effect of the variant on protein function. The variant allele was found at a frequency of 2e-05 in 251306 control chromosomes (i.e., 5 heterozygotes; gnomAD). The available data on variant occurrences in the general population are insufficient to allow any conclusion about variant significance. c.3287G>A has been reported in the literature in multiple compound heterozygous individuals as well as at least one homozygote affected with POLG-Related Spectrum Disorders (e.g., Horvath_2006, Schulte_2009, Savard_2013, Bijarnia-Mahay_2014, Hou_2022). These data indicate that the variant is very likely to be associated with disease. The following publications have been ascertained in the context of this evaluation (PMID: 16621917, 35289132, 19752458, 23873972, 25129007). Five submitters have reported clinical-significance assessments for this variant to ClinVar after 2014, and all submitters classified the variant as pathogenic/likely pathogenic. Based on the evidence outlined above, the variant was classified as pathogenic.

GeneDx
Classification: Pathogenic. Last evaluated: 2021-11-10. Review status: criteria provided, single submitter. Criteria: GeneDx Variant Classification Process June 2021. Collection method: clinical testing. Allele origin: germline. Affected: yes.
Comment: Published functional studies demonstrate a damaging effect (Stumpf et al., 2010; Sohl et al., 2013); Not observed at a significant frequency in large population cohorts (Lek et al., 2016); In silico analysis supports that this missense variant has a deleterious effect on protein structure/function; This variant is associated with the following publications: (PMID: 23430834, 23873972, 17280874, 24265579, 23208208, 20185557, 19752458, 23077218, 21880868, 22189570, 20843780, 21305355, 20803511, 23545419, 12707443, 29025585, 22176657, 34288125, 34690748, 25129007, 25340760, 32347949, 16621917, 33046616)

NM_002693.3(POLG):c.3287G>A (p.Arg1096His)

Gene: POLG (DNA polymerase gamma, catalytic subunit; minus strand). Cytogenetic location: 15q26.1.
Variant type: single nucleotide variant.
Coding change: c.3287G>A on transcript NM_002693.3 (MANE Select); coding-DNA position 3287, G replaced by A.
Protein change: p.Arg1096His; replaces arginine 1096 with histidine.
Molecular consequence: missense variant.
Genome position (GRCh38, 1-based): chr15:89,318,736, C>T on the plus strand (G>A on the coding strand, the complement: POLG is on the minus strand). VCF-style: chr15-89318736-C-T. GRCh37 (hg19) VCF-style: chr15-89861967-C-T.
Other names: p.R1096H:CGT>CAT; c.3287G>A, p.Arg1096His (NM_001126131.2); short protein forms R1096H.
Identifiers: ClinVar variation 206557 (VCV000206557.27), dbSNP rs368435864, ClinGen allele CA316758.
Genomic context (GRCh38, chr15:89,318,736, plus strand): 5'-ATGGCCACAAGCATGAGGTGTAAGTAGTCAACAGCAGAGCTCTGTACCACCCAATTCACA[C>T]GGCTGGTCATAAACTGGGAAGGGAAGGTGGGCAGAGGTGAAAGGGGCTATGCTACATACC-3'
Protein context (NP_002684.1, residues 1086-1106): SAVQEEFMTS[Arg1096His]VNWVVQSSAV